The following is an entry in ClinVar:

NM_019066.5(MAGEL2):c.1305G>A (p.Pro435=)

Gene: MAGEL2 (MAGE family member L2; minus strand). Cytogenetic location: 15q11.2.
Variant type: single nucleotide variant.
Coding change: c.1305G>A on transcript NM_019066.5 (MANE Select); coding-DNA position 1305, G replaced by A.
Protein change: p.Pro435=; no amino-acid change (proline 435 retained).
Molecular consequence: synonymous variant.
Genome position (GRCh38, 1-based): chr15:23,646,438, C>T on the plus strand (G>A on the coding strand, the complement: MAGEL2 is on the minus strand). VCF-style: chr15-23646438-C-T. GRCh37 (hg19) VCF-style: chr15-23891585-C-T.
Identifiers: ClinVar variation 1284440 (VCV001284440.31), dbSNP rs755945170, ClinGen allele CA7430050.

ClinVar aggregate classification (germline): Likely benign. Review status: criteria provided, multiple submitters, no conflicts (2 of 4 stars). 4 submissions from 4 submitters: Likely benign (2). 2 of the submissions do not count toward it. Last evaluated 2025-12-21.

Allele frequency attached by ClinVar (database versions not stated): gnomAD exomes 0.00011 and 0.00022; gnomAD 0.00015 and 0.00016; ExAC 0.00066.
gnomAD v4.1: 153 of 1,413,204 alleles (0.011%); highest among the groups gnomAD compares: Admixed American, 0.016%; no homozygotes.

Submissions (4):

Labcorp Genetics (formerly Invitae), Labcorp
Classification: Likely benign. Last evaluated: 2025-12-21. Review status: criteria provided, single submitter. Criteria: Invitae Variant Classification Sherloc (09022015). Collection method: clinical testing. Allele origin: germline.

CeGaT Center for Human Genetics Tuebingen
Classification: Likely benign. Last evaluated: 2025-10-01. Review status: criteria provided, single submitter. Criteria: CeGaT Center For Human Genetics Tuebingen Variant Classification Criteria Version 2. Collection method: clinical testing. Allele origin: germline. Affected: yes. Observed: 4 variant alleles.
Comment: MAGEL2: BP4, BP7

Clinical Genetics DNA and cytogenetics Diagnostics Lab, Erasmus MC, Erasmus Medical Center
Classification: Likely benign. Review status: no assertion criteria provided. Collection method: clinical testing. Allele origin: germline. Affected: yes. Study: VKGL Data-share Consensus. Not counted in ClinVar's aggregate classification.

Clinical Genetics, Academic Medical Center
Classification: Benign. Review status: no assertion criteria provided. Collection method: clinical testing. Allele origin: germline. Affected: yes. Study: VKGL Data-share Consensus. Not counted in ClinVar's aggregate classification.